The following is an entry in ClinVar:

ClinVar aggregate classification (germline): Uncertain significance (1 of 4 stars; one submission).

Conditions:
Early-infantile DEE. Also called: Early infantile epileptic encephalopathy with suppression bursts; Early infantile epileptic encephalopathy; Ohtahara syndrome. Identifiers: Orphanet 1934, MedGen C0393706, MONDO:0800491.

Submission:

Labcorp Genetics (formerly Invitae), Labcorp
Classification: Uncertain significance for Early-infantile DEE. Last evaluated: 2022-03-26. Review status: criteria provided, single submitter. Criteria: Invitae Variant Classification Sherloc (09022015). Collection method: clinical testing. Allele origin: germline.
Comment: In summary, the available evidence is currently insufficient to determine the role of this variant in disease. Therefore, it has been classified as a Variant of Uncertain Significance. Experimental studies and prediction algorithms are not available or were not evaluated, and the functional significance of this variant is currently unknown. This premature translational stop signal has been observed in individual(s) with clinical features of KCNQ2-related conditions (Invitae). This variant is not present in population databases (gnomAD no frequency). This sequence change creates a premature translational stop signal (p.Pro853Alafs*12) in the KCNQ2 gene. While this is not anticipated to result in nonsense mediated decay, it is expected to disrupt the last 20 amino acid(s) of the KCNQ2 protein.

NM_172107.4(KCNQ2):c.2555dup (p.Pro853fs)

Gene: KCNQ2 (potassium voltage-gated channel subfamily Q member 2; minus strand). Cytogenetic location: 20q13.33.
Variant type: Duplication.
Coding change: c.2555dup on transcript NM_172107.4 (MANE Select); coding-DNA position 2555, one base duplicated (C; older notation c.2555dupC).
Protein change: p.Pro853fs; shifts the reading frame from proline 853.
Molecular consequence: frameshift variant.
Genome position (GRCh38, 1-based): chr20:63,406,708, G duplicated on the plus strand (C on the coding strand, the reverse complement: KCNQ2 is on the minus strand); the first of 5 consecutive G bases (chr20:63,406,708-63,406,712); duplicating any one gives the same sequence. VCF-style (leftmost placement, unchanged base first): chr20-63406707-C-CG. GRCh37 (hg19) VCF-style: chr20-62038060-C-CG.
Other names: c.2609dup, p.Pro871fs (NM_001382235.1); c.2471dup, p.Pro825fs (NM_004518.6); c.2501dup, p.Pro835fs (NM_172106.3); c.2462dup, p.Pro822fs (NM_172108.5); short protein forms P822fs, P853fs, P871fs, P835fs, P825fs.
Identifiers: ClinVar variation 1895747 (VCV001895747.5), dbSNP rs1064793317, ClinGen allele CA2580098388.